The following is an entry in ClinVar:

NM_024675.4(PALB2):c.3166C>T (p.Gln1056Ter)

Gene: PALB2 (partner and localizer of BRCA2; minus strand). Cytogenetic location: 16p12.2.
Variant type: single nucleotide variant.
Coding change: c.3166C>T on transcript NM_024675.4 (MANE Select); coding-DNA position 3166, C replaced by T.
Protein change: p.Gln1056Ter; replaces glutamine 1056 with a stop codon.
Molecular consequence: nonsense.
Genome position (GRCh38, 1-based): chr16:23,614,039, G>A on the plus strand (C>T on the coding strand, the complement: PALB2 is on the minus strand). VCF-style: chr16-23614039-G-A. GRCh37 (hg19) VCF-style: chr16-23625360-G-A.
Other names: short protein forms Q1056*.
Identifiers: ClinVar variation 492212 (VCV000492212.41), dbSNP rs1021662947, ClinGen allele CA279530832.
Genomic context (GRCh38, chr16:23,614,039, plus strand): 5'-GTGGTCCCAGCCAGTCATTACTTACCATTTCAGAATAGGCTTTGTGACAGACTGAAGCTT[G>A]GTAAGAATCATCAATGTGCATCTTTTTCAGGAGTTGACCAGTTTTTAAATTCCTTAGATA-3'

ClinVar aggregate classification (germline): Pathogenic. Review status: criteria provided, multiple submitters, no conflicts (2 of 4 stars). 8 submissions from 8 submitters: Pathogenic (7). 1 of the submissions does not count toward it. Last evaluated 2025-04-25.

Conditions:
Familial cancer of breast. Also called: Hereditary breast cancer; hereditary breast carcinoma; BREAST CANCER, FAMILIAL. Identifiers: Orphanet 227535, MedGen C0346153, MONDO:0016419, OMIM 114480. Disease mechanism: loss of function.
Gastric cancer. Also called: Malignant tumor of stomach; Stomach cancer. Identifiers: MedGen C0024623, MeSH D013274, MONDO:0001056, OMIM 613659, HP:0012126.
Hereditary cancer-predisposing syndrome. Also called: Hereditary neoplastic syndrome; Neoplastic Syndromes, Hereditary; Hereditary Cancer Syndrome; Tumor predisposition. Identifiers: Orphanet 140162, MedGen C0027672, MeSH D009386, MONDO:0015356.

Submissions (8):

GeneDx
Classification: Pathogenic. Last evaluated: 2025-04-25. Review status: criteria provided, single submitter. Criteria: GeneDx Variant Classification Process June 2021. Collection method: clinical testing. Allele origin: germline. Affected: yes.
Comment: Reported in individuals with personal and/or family history of breast and/or ovarian cancer (PMID: 28194609, 29263802, 28724667); Not observed at significant frequency in large population cohorts (gnomAD); Nonsense variant predicted to result in protein truncation or nonsense mediated decay in a gene for which loss of function is a known mechanism of disease; Truncating variants in this gene are considered pathogenic by a well-established clinical consortium and/or database; This variant is associated with the following publications: (PMID: 28194609, 28724667, 29263802, 25337758, 33646313)

Labcorp Genetics (formerly Invitae), Labcorp
Classification: Pathogenic for Familial cancer of breast. Last evaluated: 2025-03-19. Review status: criteria provided, single submitter. Criteria: Invitae Variant Classification Sherloc (09022015). Collection method: clinical testing. Allele origin: germline.
Comment: This sequence change creates a premature translational stop signal (p.Gln1056*) in the PALB2 gene. It is expected to result in an absent or disrupted protein product. Loss-of-function variants in PALB2 are known to be pathogenic (PMID: 17200668, 17200671, 17200672, 24136930, 25099575). This variant is not present in population databases (gnomAD no frequency). This premature translational stop signal has been observed in individual(s) with breast and ovarian cancer (PMID: 28194609, 28724667, 29263802). ClinVar contains an entry for this variant (Variation ID: 492212). RNA analysis performed to evaluate the impact of this premature translational stop signal on mRNA splicing indicates it does not significantly alter splicing (internal data). For these reasons, this variant has been classified as Pathogenic.

CeGaT Center for Human Genetics Tuebingen
Classification: Pathogenic. Last evaluated: 2025-03-01. Review status: criteria provided, single submitter. Criteria: CeGaT Center For Human Genetics Tuebingen Variant Classification Criteria Version 2. Collection method: clinical testing. Allele origin: germline. Affected: yes. Observed: 1 variant allele.
Comment: PALB2: PVS1, PM2, PS4:Moderate

Baylor Genetics
Classification: Pathogenic for Familial cancer of breast. Last evaluated: 2023-10-19. Review status: criteria provided, single submitter. Criteria: ACMG Guidelines, 2015. Collection method: clinical testing. Allele origin: unknown.

Ambry Genetics
Classification: Pathogenic for Hereditary cancer-predisposing syndrome. Last evaluated: 2023-09-15. Review status: criteria provided, single submitter. Criteria: Ambry Variant Classification Scheme 2023. Collection method: clinical testing. Allele origin: germline.
Comment: The p.Q1056* pathogenic mutation (also known as c.3166C>T), located in coding exon 11 of the PALB2 gene, results from a C to T substitution at nucleotide position 3166. This changes the amino acid from a glutamine to a stop codon within coding exon 11. This pathogenic mutation has been reported in multiple individuals diagnosed with breast and/or ovarian cancer (Wong ESY et al. NPJ Genom Med. 2016 Jan;1:15003; Lerner-Ellis J et al. Breast Cancer Res. Treat. 2017 04;162:591-596; Sun J et al. Clin. Cancer Res. 2017 Oct;23:6113-6119). This variant is considered to be rare based on population cohorts in the Genome Aggregation Database (gnomAD). In addition to the clinical data presented in the literature, this alteration is expected to result in loss of function by premature protein truncation or nonsense-mediated mRNA decay. As such, this alteration is interpreted as a disease-causing mutation.

Myriad Genetics, Inc.
Classification: Pathogenic for Familial cancer of breast. Last evaluated: 2023-09-14. Review status: criteria provided, single submitter. Criteria: Myriad Autosomal Dominant, Autosomal Recessive and X-Linked Classification Criteria (2023). Collection method: clinical testing. Allele origin: unknown.
Comment: This variant is considered pathogenic. This variant creates a termination codon and is predicted to result in premature protein truncation.

Color Diagnostics, LLC DBA Color Health
Classification: Pathogenic for Hereditary cancer-predisposing syndrome. Last evaluated: 2020-01-15. Review status: criteria provided, single submitter. Criteria: ACMG Guidelines, 2015. Collection method: clinical testing. Allele origin: germline.
Comment: This variant changes 1 nucleotide in exon 11 of the PALB2 gene, creating a premature translation stop signal. This variant is expected to result in an absent or non-functional protein product. This variant has not been identified in the general population by the Genome Aggregation Database (gnomAD). Loss of PALB2 function is a known mechanism of disease. Based on the available evidence, this variant is classified as Pathogenic.

Laboratory for Genotyping Development, RIKEN
Classification: Pathogenic for Gastric cancer. Last evaluated: 2021-07-01. Review status: no assertion criteria provided. Collection method: research. Allele origin: germline. Not counted in ClinVar's aggregate classification.

Literature cited by the submitters: PubMed 17200668 (cited by Labcorp Genetics (formerly Invitae), Labcorp); PubMed 17200671 (cited by Labcorp Genetics (formerly Invitae), Labcorp); PubMed 17200672 (cited by Labcorp Genetics (formerly Invitae), Labcorp); PubMed 24136930 (cited by Labcorp Genetics (formerly Invitae), Labcorp); PubMed 25099575 (cited by Labcorp Genetics (formerly Invitae), Labcorp); PubMed 28194609 (cited by Labcorp Genetics (formerly Invitae), Labcorp and Ambry Genetics); PubMed 28724667 (cited by Labcorp Genetics (formerly Invitae), Labcorp and Ambry Genetics); PubMed 29263802 (cited by Labcorp Genetics (formerly Invitae), Labcorp and Ambry Genetics); PubMed 36988593 (cited by Laboratory for Genotyping Development, RIKEN).